The following is an entry in ClinVar:

ClinVar aggregate classification (germline): Pathogenic (1 of 4 stars; one submission).

Conditions:
VPS13A-related neurodegenerative disease. Also called: ACANTHOCYTOSIS WITH NEUROLOGIC DISORDER; LEVINE-CRITCHLEY SYNDROME; Choreoacanthocytosis; Chorea-acanthocytosis; Choreaacanthocytosis; VPS13A Disease. Identifiers: Orphanet 2388, MedGen C0393576, MONDO:0008695, OMIM 200150.

Submission:

Myriad Genetics, Inc.
Classification: Pathogenic for VPS13A-related neurodegenerative disease. Last evaluated: 2024-03-06. Review status: criteria provided, single submitter. Criteria: Myriad Autosomal Dominant, Autosomal Recessive and X-Linked Classification Criteria (2023). Collection method: clinical testing. Allele origin: unknown.
Comment: NM_033305.2(VPS13A):c.4621A>T(K1541*) is expected to be pathogenic in the context of VPS13A disease. This variant is predicted to lead to an abnormal or absent protein product due to the creation of a premature termination codon in VPS13A, a gene where loss-of-function variants are known to be pathogenic. Please note: this variant was assessed in the context of healthy population screening.

NM_033305.3(VPS13A):c.4621A>T (p.Lys1541Ter)

Gene: VPS13A (vacuolar protein sorting 13 homolog A; plus strand). Cytogenetic location: 9q21.2.
Variant type: single nucleotide variant.
Coding change: c.4621A>T on transcript NM_033305.3 (MANE Select); coding-DNA position 4621, A replaced by T.
Protein change: p.Lys1541Ter; replaces lysine 1541 with a stop codon.
Molecular consequence: nonsense.
Genome position (GRCh38, 1-based): chr9:77,315,461, A>T. VCF-style: chr9-77315461-A-T. GRCh37 (hg19) VCF-style: chr9-79930377-A-T.
Other names: c.4504A>T, p.Lys1502Ter (NM_001018037.2); c.4621A>T, p.Lys1541Ter (NM_001018038.3, NM_015186.4); short protein forms K1502*, K1541*.
Identifiers: ClinVar variation 5012803 (VCV005012803.1).
Genomic context (GRCh38, chr9:77,315,461, plus strand): 5'-TTTCTTGAGGCCTACACCACAGGCACTGCTGTAGAAACCAGTGTGCAAACATGGACTGCT[A>T]AGGAAGAAGGTTAGTTATTGGCTAAAATATTTAATATTTGTTTTATTGAAGTGCTACAAC-3'